The following is an entry in ClinVar:

NM_001113491.2(SEPTIN9):c.*647G>A

Gene: SEPTIN9 (septin 9; plus strand). Cytogenetic location: 17q25.3.
Variant type: single nucleotide variant.
Coding change: c.*647G>A on transcript NM_001113491.2 (MANE Select); 647 bases downstream of the stop codon, G replaced by A.
Molecular consequence: 3 prime UTR variant.
Genome position (GRCh38, 1-based): chr17:77,499,305, G>A. VCF-style: chr17-77499305-G-A. GRCh37 (hg19) VCF-style: chr17-75495387-G-A.
Other names: c.*647G>A (NM_001113492.2, NM_001113493.2, NM_001113494.1 and 7 more transcripts).
Identifiers: ClinVar variation 891397 (VCV000891397.4), dbSNP rs188932761, ClinGen allele CA8794019.

ClinVar aggregate classification (germline): Benign (1 of 4 stars; one submission).

Conditions:
Amyotrophic neuralgia (HNA). Also called: AMYOTROPHY, HEREDITARY NEURALGIC; AMYOTROPHY, HEREDITARY NEURALGIC, WITH PREDILECTION FOR BRACHIAL PLEXUS; Hereditary Brachial Plexus Neuropathy; Neuritis with Brachial Predilection. Identifiers: Orphanet 2901, MedGen C1834304, MONDO:0008076, OMIM 162100.

Allele frequency attached by ClinVar (database versions not stated): TOPMed 0.00013; 1000 Genomes Project 0.00060; 1000 Genomes Project 30x 0.00047.
gnomAD v4.1: 113 of 597,444 alleles (0.019%); highest among the groups gnomAD compares: East Asian, 0.32%; no homozygotes.

Submission:

Illumina Laboratory Services, Illumina
Classification: Benign for Amyotrophy, hereditary neuralgic. Last evaluated: 2018-01-13. Review status: criteria provided, single submitter. Criteria: ICSL Variant Classification Criteria 13 December 2019. Collection method: clinical testing. Allele origin: germline.
Comment: This variant was observed in the ICSL laboratory as part of a predisposition screen in an ostensibly healthy population. It had not been previously curated by ICSL or reported in the Human Gene Mutation Database (HGMD: prior to June 1st, 2018), and was therefore a candidate for classification through an automated scoring system. Utilizing variant allele frequency, disease prevalence and penetrance estimates, and inheritance mode, an automated score was calculated to assess if this variant is too frequent to cause the disease. Based on the score and internal cut-off values, a variant classified as benign is not then subjected to further curation. The score for this variant resulted in a classification of benign for this disease.